The following is an entry in ClinVar:

ClinVar aggregate classification (germline): Benign (1 of 4 stars; one submission).

Submission:

GeneDx
Classification: Benign. Last evaluated: 2016-02-04. Review status: criteria provided, single submitter. Criteria: GeneDx Variant Classification (06012015). Collection method: clinical testing. Allele origin: germline. Affected: yes.
Comment: This variant is considered likely benign or benign based on one or more of the following criteria: it is a conservative change, it occurs at a poorly conserved position in the protein, it is predicted to be benign by multiple in silico algorithms, and/or has population frequency not consistent with disease.

NM_018127.7(ELAC2):c.870+21_870+23dup

Gene: ELAC2 (elaC ribonuclease Z 2; minus strand). Cytogenetic location: 17p12.
Variant type: Duplication.
Coding change: c.870+21_870+23dup on transcript NM_018127.7 (MANE Select); bases 21 to 23 of the intron after coding-DNA position 870, 3 bases duplicated (GAT; older notation c.870+21_870+23dupGAT).
Molecular consequence: intron variant.
Genome position (GRCh38, 1-based): chr17:13,005,730-13,005,732, ATC duplicated on the plus strand (GAT on the coding strand, the reverse complement: ELAC2 is on the minus strand); duplicating any 3 consecutive bases within chr17:13,005,730-13,005,733 gives the same sequence; the c. name uses the placement nearest the transcript's 3' end. VCF-style (leftmost placement, unchanged base first): chr17-13005729-A-AATC. GRCh37 (hg19) VCF-style: chr17-12909046-A-AATC.
Other names: c.750+21_750+23dup (NM_001165962.2); c.870+21_870+23dup (NM_173717.2).
Identifiers: ClinVar variation 419238 (VCV000419238.1), dbSNP rs3217019, ClinGen allele CA8401458.